The following is an entry in ClinVar:

ClinVar aggregate classification (germline): Benign. Review status: criteria provided, multiple submitters, no conflicts (2 of 4 stars). 3 submissions from 3 submitters: Benign (2). 1 of the submissions does not count toward it. Last evaluated 2026-01-27.

Allele frequency attached by ClinVar (database versions not stated): gnomAD exomes 0.00092 and 0.00250; ExAC 0.00298; gnomAD 0.00940 and 0.01022; ESP Exome Variant Server 0.01015; TOPMed 0.01065; 1000 Genomes Project 0.01138; 1000 Genomes Project 30x 0.01202.
gnomAD v4.1: 2,837 of 1,614,054 alleles (0.18%); highest among the groups gnomAD compares: African/African-American, 3.2%; 34 homozygotes.

Submissions (3):

Labcorp Genetics (formerly Invitae), Labcorp
Classification: Benign. Last evaluated: 2026-01-27. Review status: criteria provided, single submitter. Criteria: Invitae Variant Classification Sherloc (09022015). Collection method: clinical testing. Allele origin: germline.

Breakthrough Genomics
Classification: Benign. Review status: criteria provided, single submitter. Criteria: ACMG Guidelines, 2015. Collection method: not provided. Allele origin: germline. Inheritance: Autosomal recessive inheritance. Affected: yes.

Genetic Services Laboratory, University of Chicago
Classification: Likely benign for AllHighlyPenetrant. Review status: no assertion criteria provided. Collection method: clinical testing. Allele origin: germline. Inheritance: Autosomal recessive inheritance. Not counted in ClinVar's aggregate classification.
Comment: Likely benign based on allele frequency in 1000 Genomes Project or ESP global frequency and its presence in a patient with a rare or unrelated disease phenotype. NOT Sanger confirmed.

NM_020987.5(ANK3):c.7715T>C (p.Ile2572Thr)

Gene: ANK3 (ankyrin 3; minus strand). Cytogenetic location: 10q21.2.
Variant type: single nucleotide variant.
Coding change: c.7715T>C on transcript NM_020987.5 (MANE Select); coding-DNA position 7715, T replaced by C.
Protein change: p.Ile2572Thr; replaces isoleucine 2572 with threonine.
Molecular consequence: missense variant. On other transcripts: intron variant (4).
Genome position (GRCh38, 1-based): chr10:60,073,166, A>G on the plus strand (T>C on the coding strand, the complement: ANK3 is on the minus strand). VCF-style: chr10-60073166-A-G. GRCh37 (hg19) VCF-style: chr10-61832924-A-G.
Other names: c.4388-5157T>C (NM_001204403.2); c.4409-5157T>C (NM_001204404.2); c.4406-5157T>C (NM_001320874.2); c.1808-5157T>C (NM_001149.4); short protein forms I2572T.
Identifiers: ClinVar variation 128377 (VCV000128377.16), dbSNP rs61732398, ClinGen allele CA151804.
Genomic context (GRCh38, chr10:60,073,166, plus strand): 5'-GACACTTCAGTCAGTTTTTCTTCAGCCTCCTTCACAGTCCTGTCCACCCTATCTTCATAT[A>G]TCAACTTCTCTCTACCTCTGTCTAATCTGTCCTCAGTAAAGCGCATCCACATGGCATGTT-3'
Protein context (NP_066267.2, residues 2562-2582): DRLDRGREKL[Ile2572Thr]YEDRVDRTVK